The following is an entry in ClinVar:

NM_006254.4(PRKCD):c.1981G>A (p.Ala661Thr)

Genes: PRKCD (protein kinase C delta; plus strand), LOC129936899 (ATAC-STARR-seq lymphoblastoid active region 19967; plus strand). Cytogenetic location: 3p21.1.
Variant type: single nucleotide variant.
Coding change: c.1981G>A on transcript NM_006254.4 (MANE Select); coding-DNA position 1981, G replaced by A.
Protein change: p.Ala661Thr; replaces alanine 661 with threonine.
Molecular consequence: missense variant.
Genome position (GRCh38, 1-based): chr3:53,192,216, G>A. VCF-style: chr3-53192216-G-A. GRCh37 (hg19) VCF-style: chr3-53226232-G-A.
Other names: c.1981G>A, p.Ala661Thr (LRG_1327t1, NM_001316327.2, NM_001354679.2 and 2 more transcripts); c.2038G>A, p.Ala680Thr (NM_001354676.2); c.2029G>A, p.Ala677Thr (NM_001354678.2); short protein forms A661T, A677T, A680T.
Identifiers: ClinVar variation 541625 (VCV000541625.7), dbSNP rs149202171, ClinGen allele CA2452335.

ClinVar aggregate classification (germline): Uncertain significance. Review status: criteria provided, multiple submitters, no conflicts (2 of 4 stars). 3 submissions from 3 submitters: Uncertain significance (3). Last evaluated 2026-01-22.

Conditions:
Autoimmune lymphoproliferative syndrome, type III caused by mutation in PRKCD. Identifiers: Orphanet 3261, Orphanet 664711, MedGen C3809928, MONDO:8000024, OMIM 615559.

Allele frequency attached by ClinVar (database versions not stated): gnomAD 0.00002 and 0.00005; TOPMed 0.00003; gnomAD exomes 0.00005; ExAC 0.00006; ESP Exome Variant Server 0.00008; 1000 Genomes Project 30x 0.00016; 1000 Genomes Project 0.00020.
gnomAD v4.1: 102 of 1,614,084 alleles (0.0063%); highest among the groups gnomAD compares: Middle Eastern, 0.082%; no homozygotes.

Submissions (3):

Labcorp Genetics (formerly Invitae), Labcorp
Classification: Uncertain significance for Autoimmune lymphoproliferative syndrome, type III caused by mutation in PRKCD. Last evaluated: 2026-01-22. Review status: criteria provided, single submitter. Criteria: Invitae Variant Classification Sherloc (09022015). Collection method: clinical testing. Allele origin: germline.
Comment: This sequence change replaces alanine, which is neutral and non-polar, with threonine, which is neutral and polar, at codon 661 of the PRKCD protein (p.Ala661Thr). This variant is present in population databases (rs149202171, gnomAD 0.02%). This variant has not been reported in the literature in individuals affected with PRKCD-related conditions. ClinVar contains an entry for this variant (Variation ID: 541625). An algorithm developed to predict the effect of missense changes on protein structure and function (PolyPhen-2) suggests that this variant is likely to be tolerated. In summary, the available evidence is currently insufficient to determine the role of this variant in disease. Therefore, it has been classified as a Variant of Uncertain Significance.

Blueprint Genetics
Classification: Uncertain significance. Last evaluated: 2024-08-22. Review status: criteria provided, single submitter. Criteria: ACMG Guidelines, 2015. Collection method: clinical testing. Allele origin: germline.

Breakthrough Genomics
Classification: Uncertain significance. Review status: criteria provided, single submitter. Criteria: ACMG Guidelines, 2015. Collection method: not provided. Allele origin: germline. Inheritance: Autosomal recessive inheritance. Affected: yes.